The following is an entry in ClinVar:

NM_014927.5(CNKSR2):c.1999C>G (p.Leu667Val)

Gene: CNKSR2 (connector enhancer of kinase suppressor of Ras 2; plus strand). Cytogenetic location: Xp22.12.
Variant type: single nucleotide variant.
Coding change: c.1999C>G on transcript NM_014927.5 (MANE Select); coding-DNA position 1999, C replaced by G.
Protein change: p.Leu667Val; replaces leucine 667 with valine.
Molecular consequence: missense variant.
Genome position (GRCh38, 1-based): chrX:21,601,304, C>G. VCF-style: chrX-21601304-C-G. GRCh37 (hg19) VCF-style: chrX-21619422-C-G.
Other names: c.1909C>G, p.Leu637Val (NM_001168647.3, NM_001330773.2); c.1999C>G, p.Leu667Val (NM_001168648.3); c.1852C>G, p.Leu618Val (NM_001168649.3, NM_001330770.2); c.1762C>G, p.Leu588Val (NM_001330771.2, NM_001330772.2); short protein forms L588V, L618V, L667V, L637V.
Identifiers: ClinVar variation 4230780 (VCV004230780.2).

ClinVar aggregate classification (germline): Uncertain significance. Review status: criteria provided, multiple submitters, no conflicts (2 of 4 stars). 2 submissions from 2 submitters: Uncertain significance (2). Last evaluated 2025-09-11.

Conditions:
Inborn genetic diseases. Identifiers: MedGen C0950123, MeSH D030342.

Submissions (2):

Ambry Genetics
Classification: Uncertain significance for Inborn genetic diseases. Last evaluated: 2025-09-11. Review status: criteria provided, single submitter. Criteria: Ambry Variant Classification Scheme 2023. Collection method: clinical testing. Allele origin: germline.

GeneDx
Classification: Uncertain significance. Last evaluated: 2025-07-19. Review status: criteria provided, single submitter. Criteria: GeneDx Variant Classification Process June 2021. Collection method: clinical testing. Allele origin: germline. Affected: yes.
Comment: Not observed at significant frequency in large population cohorts (gnomAD); In silico analysis suggests that this missense variant does not alter protein structure/function; Has not been previously published as pathogenic or benign to our knowledge